The following is an entry in ClinVar:

ClinVar aggregate classification (germline): Pathogenic (1 of 4 stars; one submission).

Submission:

Labcorp Genetics (formerly Invitae), Labcorp
Classification: Pathogenic. Last evaluated: 2025-07-23. Review status: criteria provided, single submitter. Criteria: Invitae Variant Classification Sherloc (09022015). Collection method: clinical testing. Allele origin: germline.
Comment: This sequence change creates a premature translational stop signal (p.Gln1518*) in the SBF1 gene. It is expected to result in an absent or disrupted protein product. Loss-of-function variants in SBF1 are known to be pathogenic (PMID: 28005197, 28902413). This variant is not present in population databases (gnomAD no frequency). This variant has not been reported in the literature in individuals affected with SBF1-related conditions. For these reasons, this variant has been classified as Pathogenic.

Literature cited by the submitters: PubMed 28005197; PubMed 28902413.

NM_002972.4(SBF1):c.4552C>T (p.Gln1518Ter)

Gene: SBF1 (SET binding factor 1; minus strand). Cytogenetic location: 22q13.33.
Variant type: single nucleotide variant.
Coding change: c.4552C>T on transcript NM_002972.4 (MANE Select); coding-DNA position 4552, C replaced by T.
Protein change: p.Gln1518Ter; replaces glutamine 1518 with a stop codon.
Molecular consequence: nonsense.
Genome position (GRCh38, 1-based): chr22:50,455,226, G>A on the plus strand (C>T on the coding strand, the complement: SBF1 is on the minus strand). VCF-style: chr22-50455226-G-A. GRCh37 (hg19) VCF-style: chr22-50893655-G-A.
Other names: c.4477C>T, p.Gln1493Ter (NM_001365819.1); c.4555C>T, p.Gln1519Ter (NM_001410794.1); c.4474C>T, p.Gln1492Ter (NM_001410795.1); short protein forms Q1519*, Q1492*, Q1493*, Q1518*.
Identifiers: ClinVar variation 4723859 (VCV004723859.1).
Genomic context (GRCh38, chr22:50,455,226, plus strand): 5'-CCAGGGCTCAGCGGTCAGGGTGCACAGTCCCGGCCCACCCACACAGCGGCCTGCCCACCT[G>A]GTGTACGCAGTCCAGGAACTGCAGGAAGACGGGTGTGAAGCCGCTGCTCTGCCCGGCCAG-3'